The following is an entry in ClinVar:

ClinVar aggregate classification (germline): Conflicting classifications of pathogenicity. Review status: criteria provided, conflicting classifications (1 of 4 stars). 4 submissions from 4 submitters: Uncertain significance (1); Likely benign (3). Last evaluated 2026-03-26.

Conditions:
Cardiovascular phenotype. Identifiers: MedGen CN230736.
Cardiomyopathy (CMYO). Also called: Cardiomyopathies. Identifiers: Orphanet 167848, MedGen C0878544, MONDO:0004994, HP:0001638. Inheritance: Various modes of inheritance.
Hypertrophic cardiomyopathy. Also called: HYPERTROPHIC MYOCARDIOPATHY. Identifiers: Orphanet 217569, MedGen C0007194, MeSH D002312, MONDO:0005045, HP:0001639.

Allele frequency attached by ClinVar (database versions not stated): gnomAD exomes 0.00001.
gnomAD v4.1: 18 of 1,608,132 alleles (0.0011%); highest among the groups gnomAD compares: Non-Finnish European, 0.0014%; no homozygotes.

Submissions (4):

Ambry Genetics
Classification: Uncertain significance for Cardiovascular phenotype. Last evaluated: 2026-03-26. Review status: criteria provided, single submitter. Criteria: Ambry Variant Classification Scheme 2023. Collection method: clinical testing. Allele origin: germline.
Comment: The c.157C>T variant (also known as p.L53L), located in coding exon 5 of the TNNI3 gene, results from a C to T substitution at nucleotide position 157. This nucleotide substitution does not change the amino acid at codon 53. This nucleotide position is poorly conserved in available vertebrate species. In silico splice site analysis predicts that this alteration will result in the creation or strengthening of a novel splice acceptor site. Based on the available evidence, the clinical significance of this variant remains unclear.

Labcorp Genetics (formerly Invitae), Labcorp
Classification: Likely benign for Hypertrophic cardiomyopathy. Last evaluated: 2025-10-07. Review status: criteria provided, single submitter. Criteria: Invitae Variant Classification Sherloc (09022015). Collection method: clinical testing. Allele origin: germline.

All of Us Research Program, National Institutes of Health
Classification: Likely benign for Hypertrophic cardiomyopathy. Last evaluated: 2023-06-26. Review status: criteria provided, single submitter. Criteria: ACMG Guidelines, 2015. Collection method: clinical testing. Allele origin: germline. Inheritance: Autosomal dominant inheritance. Observed: 2 variant alleles, 2 heterozygotes.
Comment: This study involves interpretation of variants in research participants for the purpose of population health screening. Participant phenotype was not available at the time of variant classification. Additional details can be found in publication PMID: 35346344, PMCID: PMC8962531

Color Diagnostics, LLC DBA Color Health
Classification: Likely benign for Cardiomyopathy. Last evaluated: 2018-12-31. Review status: criteria provided, single submitter. Criteria: ACMG Guidelines, 2015. Collection method: clinical testing. Allele origin: germline.

NM_000363.5(TNNI3):c.157C>T (p.Leu53=)

Gene: TNNI3 (troponin I3, cardiac type; minus strand). Cytogenetic location: 19q13.42.
Variant type: single nucleotide variant.
Coding change: c.157C>T on transcript NM_000363.5 (MANE Select); coding-DNA position 157, C replaced by T.
Protein change: p.Leu53=; no amino-acid change (leucine 53 retained).
Molecular consequence: synonymous variant.
Genome position (GRCh38, 1-based): chr19:55,156,326, G>A on the plus strand (C>T on the coding strand, the complement: TNNI3 is on the minus strand). VCF-style: chr19-55156326-G-A. GRCh37 (hg19) VCF-style: chr19-55667694-G-A.
Other names: c.157C>T (LRG_432t1).
Identifiers: ClinVar variation 330200 (VCV000330200.16), dbSNP rs763981651, ClinGen allele CA10649139.